The following is an entry in ClinVar:

ClinVar aggregate classification (germline): Uncertain significance. Review status: criteria provided, multiple submitters, no conflicts (2 of 4 stars). 2 submissions from 2 submitters: Uncertain significance (2). Last evaluated 2021-08-26.

Allele frequency attached by ClinVar (database versions not stated): ExAC 0.00001; gnomAD exomes 0.00002 and 0.00005; gnomAD 0.00004; TOPMed 0.00004; ESP Exome Variant Server 0.00008.

Submissions (2):

Blueprint Genetics
Classification: Uncertain significance. Last evaluated: 2021-08-26. Review status: criteria provided, single submitter. Criteria: ACMG Guidelines, 2015. Collection method: clinical testing. Allele origin: germline.

Labcorp Genetics (formerly Invitae), Labcorp
Classification: Uncertain significance. Last evaluated: 2021-07-25. Review status: criteria provided, single submitter. Criteria: Invitae Variant Classification Sherloc (09022015). Collection method: clinical testing. Allele origin: germline.
Comment: This sequence change replaces aspartic acid with glycine at codon 555 of the KIZ protein (p.Asp555Gly). There is a moderate physicochemical difference between aspartic acid and glycine. This variant is present in population databases (rs370513549, ExAC 0.002%). This variant has not been reported in the literature in individuals affected with KIZ-related conditions. Experimental studies and prediction algorithms are not available or were not evaluated, and the functional significance of this variant is currently unknown. In summary, the available evidence is currently insufficient to determine the role of this variant in disease. Therefore, it has been classified as a Variant of Uncertain Significance.

NM_018474.6(KIZ):c.1664A>G (p.Asp555Gly)

Genes: KIZ (kizuna centrosomal protein; plus strand), KIZ-AS1 (KIZ antisense RNA 1; minus strand). Cytogenetic location: 20p11.23.
Variant type: single nucleotide variant.
Coding change: c.1664A>G on transcript NM_018474.6 (MANE Select); coding-DNA position 1664, A replaced by G.
Protein change: p.Asp555Gly; replaces aspartic acid 555 with glycine.
Molecular consequence: missense variant.
Genome position (GRCh38, 1-based): chr20:21,215,634, A>G. VCF-style: chr20-21215634-A-G. GRCh37 (hg19) VCF-style: chr20-21196272-A-G.
Other names: c.1355A>G, p.Asp452Gly (NM_001163022.3); c.1265A>G, p.Asp422Gly (NM_001163023.3); c.1517A>G, p.Asp506Gly (NM_001276389.2); c.1610A>G, p.Asp537Gly (NM_001352434.2); c.1301A>G, p.Asp434Gly (NM_001352435.2); c.1322A>G, p.Asp441Gly (NM_001352436.2); short protein forms D434G, D555G, D422G, D452G, D441G, D506G, D537G.
Identifiers: ClinVar variation 1386069 (VCV001386069.4), dbSNP rs370513549, ClinGen allele CA9784938.